The following is an entry in ClinVar:

ClinVar aggregate classification (germline): Likely pathogenic (1 of 4 stars; one submission).

Submission:

Labcorp Genetics (formerly Invitae), Labcorp
Classification: Likely pathogenic. Last evaluated: 2022-12-02. Review status: criteria provided, single submitter. Criteria: Invitae Variant Classification Sherloc (09022015). Collection method: clinical testing. Allele origin: germline.
Comment: In summary, the currently available evidence indicates that the variant is pathogenic, but additional data are needed to prove that conclusively. Therefore, this variant has been classified as Likely Pathogenic. This variant disrupts a region of the GALNT3 protein in which other variant(s) (p.Thr272Lys) have been observed in individuals with GALNT3-related conditions (PMID: 16940445). This suggests that this is a clinically significant region of the protein, and that variants that disrupt it are likely to be disease-causing. This variant has not been reported in the literature in individuals affected with GALNT3-related conditions. This variant results in the deletion of exons 3-4 and part of exon 5 (c.515+1108_958delins18) of the GALNT3 gene. It is expected to disrupt RNA splicing. Variants that disrupt the donor or acceptor splice site typically lead to a loss of protein function (PMID: 16199547), and loss-of-function variants in GALNT3 are known to be pathogenic (PMID: 15133511, 20358599).

Literature cited by the submitters: PubMed 16940445; PubMed 16199547; PubMed 15133511; PubMed 20358599.

NC_000002.11:g.(?_166615961)_(166625588_?)del

Gene: GALNT3 (polypeptide N-acetylgalactosaminyltransferase 3; minus strand). Cytogenetic location: 2q24.3.
Variant type: Deletion.
Identifiers: ClinVar variation 1512824 (VCV001512824.4).